The following is an entry in ClinVar:

ClinVar aggregate classification (germline): Uncertain significance. Review status: criteria provided, multiple submitters, no conflicts (2 of 4 stars). 2 submissions from 2 submitters: Uncertain significance (2). Last evaluated 2025-02-28.

gnomAD v4.1: 57 of 1,613,800 alleles (0.0035%); highest among the groups gnomAD compares: Non-Finnish European, 0.0042%; no homozygotes.

Submissions (2):

Ambry Genetics
Classification: Uncertain significance. Last evaluated: 2025-02-28. Review status: criteria provided, single submitter. Criteria: Ambry Variant Classification Scheme 2023. Collection method: clinical testing. Allele origin: germline.

Labcorp Genetics (formerly Invitae), Labcorp
Classification: Uncertain significance. Last evaluated: 2024-07-10. Review status: criteria provided, single submitter. Criteria: Invitae Variant Classification Sherloc (09022015). Collection method: clinical testing. Allele origin: germline.
Comment: This sequence change replaces isoleucine, which is neutral and non-polar, with threonine, which is neutral and polar, at codon 121 of the SUCLG2 protein (p.Ile121Thr). This variant is present in population databases (no rsID available, gnomAD 0.002%). This variant has not been reported in the literature in individuals affected with SUCLG2-related conditions. An algorithm developed to predict the effect of missense changes on protein structure and function (PolyPhen-2) suggests that this variant is likely to be disruptive. In summary, the available evidence is currently insufficient to determine the role of this variant in disease. Therefore, it has been classified as a Variant of Uncertain Significance.

NM_003848.4(SUCLG2):c.362T>C (p.Ile121Thr)

Gene: SUCLG2 (succinate-CoA ligase GDP-forming subunit beta; minus strand). Cytogenetic location: 3p14.1.
Variant type: single nucleotide variant.
Coding change: c.362T>C on transcript NM_003848.4 (MANE Select); coding-DNA position 362, T replaced by C.
Protein change: p.Ile121Thr; replaces isoleucine 121 with threonine.
Molecular consequence: missense variant.
Genome position (GRCh38, 1-based): chr3:67,528,187, A>G on the plus strand (T>C on the coding strand, the complement: SUCLG2 is on the minus strand). VCF-style: chr3-67528187-A-G. GRCh37 (hg19) VCF-style: chr3-67578611-A-G.
Other names: c.362T>C, p.Ile121Thr (NM_001177599.2); c.362T>C (NM_001177599.1); short protein forms I121T.
Identifiers: ClinVar variation 3626048 (VCV003626048.3).